The following is an entry in ClinVar:

ClinVar aggregate classification (germline): Uncertain significance (1 of 4 stars; one submission).

Conditions:
Primary ciliary dyskinesia. Also called: Ciliary dyskinesia. Identifiers: Orphanet 244, MedGen C0008780, MONDO:0016575, HP:0012265.

Allele frequency attached by ClinVar (database versions not stated): TOPMed 0.00002; 1000 Genomes Project 0.00040; 1000 Genomes Project 30x 0.00047.

Submission:

Labcorp Genetics (formerly Invitae), Labcorp
Classification: Uncertain significance for Primary ciliary dyskinesia. Last evaluated: 2024-12-16. Review status: criteria provided, single submitter. Criteria: Invitae Variant Classification Sherloc (09022015). Collection method: clinical testing. Allele origin: germline.
Comment: This sequence change replaces methionine, which is neutral and non-polar, with valine, which is neutral and non-polar, at codon 140 of the DNAAF2 protein (p.Met140Val). This variant is present in population databases (rs572101185, gnomAD 0.2%). This variant has not been reported in the literature in individuals affected with DNAAF2-related conditions. ClinVar contains an entry for this variant (Variation ID: 853009). Invitae Evidence Modeling of protein sequence and biophysical properties (such as structural, functional, and spatial information, amino acid conservation, physicochemical variation, residue mobility, and thermodynamic stability) indicates that this missense variant is not expected to disrupt DNAAF2 protein function with a negative predictive value of 80%. In summary, the available evidence is currently insufficient to determine the role of this variant in disease. Therefore, it has been classified as a Variant of Uncertain Significance.

NM_018139.3(DNAAF2):c.418A>G (p.Met140Val)

Gene: DNAAF2 (dynein axonemal assembly factor 2; minus strand). Cytogenetic location: 14q21.3.
Variant type: single nucleotide variant.
Coding change: c.418A>G on transcript NM_018139.3 (MANE Select); coding-DNA position 418, A replaced by G.
Protein change: p.Met140Val; replaces methionine 140 with valine.
Molecular consequence: missense variant.
Genome position (GRCh38, 1-based): chr14:49,634,732, T>C on the plus strand (A>G on the coding strand, the complement: DNAAF2 is on the minus strand). VCF-style: chr14-49634732-T-C. GRCh37 (hg19) VCF-style: chr14-50101450-T-C.
Other names: c.418A>G, p.Met140Val (NM_001083908.2); short protein forms M140V.
Identifiers: ClinVar variation 853009 (VCV000853009.8), dbSNP rs572101185, ClinGen allele CA7173111.